The following is an entry in ClinVar:

NM_001077365.2(POMT1):c.485del (p.Phe162fs)

Gene: POMT1 (protein O-mannosyltransferase 1; plus strand). Cytogenetic location: 9q34.13.
Variant type: Deletion.
Coding change: c.485del on transcript NM_001077365.2 (MANE Select); coding-DNA position 485, one base deleted (T; older notation c.485delT).
Protein change: p.Phe162fs; shifts the reading frame from phenylalanine 162.
Molecular consequence: frameshift variant. On other transcripts: non-coding transcript variant (8).
Genome position (GRCh38, 1-based): chr9:131,508,968, T deleted; the last of 5 consecutive T bases (chr9:131,508,964-131,508,968); deleting any one gives the same sequence. VCF-style (leftmost placement, unchanged base first): chr9-131508963-AT-A. GRCh37 (hg19) VCF-style: chr9-134384350-AT-A.
Other names: c.485delT (NM_007171.3); c.29del, p.Phe10fs (NM_001374695.1, NM_001353200.2); c.485del, p.Phe162fs (NM_007171.4, NM_001136113.2, NM_001353193.2 and 1 more transcripts); c.323del, p.Phe108fs (NM_001077366.2, NM_001353194.2, NM_001353197.2 and 3 more transcripts); c.134del, p.Phe45fs (NM_001136114.2, NM_001353195.2, NM_001353199.2 and 2 more transcripts); c.395del, p.Phe132fs (NM_001353196.2); short protein forms F162fs, F45fs, F108fs, F132fs, F10fs.
Identifiers: ClinVar variation 505535 (VCV000505535.13), dbSNP rs1250351189, ClinGen allele CA375306980.

ClinVar aggregate classification (germline): Pathogenic/Likely pathogenic. Review status: criteria provided, multiple submitters, no conflicts (2 of 4 stars). 4 submissions from 4 submitters: Pathogenic (3); Likely pathogenic (1). Last evaluated 2025-04-08.

Conditions:
Muscular dystrophy-dystroglycanopathy (congenital with brain and eye anomalies), type A1 (MDDGA1). Also called: COD-MD SYNDROME; Muscular dystrophy-dystroglycanopathy (congenital with brain and eye anomalies), type A, 1; WALKER-WARBURG SYNDROME OR MUSCLE-EYE-BRAIN DISEASE, POMT1-RELATED; Hydrocephalus, agyria and retinal dysplasia; Hard +/- E syndrome; Warburg syndrome. Identifiers: Orphanet 588, Orphanet 899, MedGen C4284790, MONDO:0009364, OMIM 236670.
Walker-Warburg congenital muscular dystrophy. Also called: Muscular dystrophy-dystroglycanopathy, type A; Walker-Warburg syndrome. Identifiers: Orphanet 899, MedGen C0265221, MONDO:0000171.
Autosomal recessive limb-girdle muscular dystrophy type 2K. Also called: MUSCULAR DYSTROPHY-DYSTROGLYCANOPATHY (LIMB-GIRDLE), TYPE C, 1; MUSCULAR DYSTROPHY, LIMB-GIRDLE, TYPE 2K. Identifiers: Orphanet 86812, MedGen C1836373, MONDO:0012248, OMIM 609308.
Muscular dystrophy-dystroglycanopathy (congenital with impaired intellectual development), type B, 1. Also called: Muscular dystrophy-dystroglycanopathy (congenital with intellectual disability), type B1; MUSCULAR DYSTROPHY, CONGENITAL, POMT1-RELATED. Identifiers: MedGen C5436962, MONDO:0013159, OMIM 613155.

Submissions (4):

Labcorp Genetics (formerly Invitae), Labcorp
Classification: Pathogenic for Muscular dystrophy-dystroglycanopathy (congenital with impaired intellectual development), type B, 1; Walker-Warburg congenital muscular dystrophy; Autosomal recessive limb-girdle muscular dystrophy type 2K. Last evaluated: 2025-04-08. Review status: criteria provided, single submitter. Criteria: Invitae Variant Classification Sherloc (09022015). Collection method: clinical testing. Allele origin: germline.
Comment: This sequence change creates a premature translational stop signal (p.Phe162Serfs*10) in the POMT1 gene. It is expected to result in an absent or disrupted protein product. Loss-of-function variants in POMT1 are known to be pathogenic (PMID: 12369018, 15637732, 16575835). This variant is present in population databases (no rsID available, gnomAD 0.0009%). This variant has not been reported in the literature in individuals affected with POMT1-related conditions. ClinVar contains an entry for this variant (Variation ID: 505535). For these reasons, this variant has been classified as Pathogenic.

Baylor Genetics
Classification: Pathogenic for Muscular dystrophy-dystroglycanopathy (congenital with brain and eye anomalies), type A1. Last evaluated: 2024-02-15. Review status: criteria provided, single submitter. Criteria: ACMG Guidelines, 2015. Collection method: clinical testing. Allele origin: unknown.

GeneDx
Classification: Pathogenic. Last evaluated: 2022-07-14. Review status: criteria provided, single submitter. Criteria: GeneDx Variant Classification Process June 2021. Collection method: clinical testing. Allele origin: germline. Affected: yes.
Comment: Frameshift variant predicted to result in protein truncation or nonsense mediated decay in a gene for which loss of function is a known mechanism of disease; Not observed at significant frequency in large population cohorts (gnomAD); Identified in the heterozygous state through genome sequencing in published literature; however, no clinical information or information on whether a second variant was identified was provided (Ceyhan-Birsoy et al., 2019; Hou et al., 2020); This variant is associated with the following publications: (PMID: 31980526, 30609409)

Laboratory for Molecular Medicine, Mass General Brigham Personalized Medicine
Classification: Likely pathogenic for Walker-Warburg congenital muscular dystrophy. Last evaluated: 2017-03-02. Review status: criteria provided, single submitter. Criteria: LMM Criteria. Collection method: clinical testing. Allele origin: germline. Inheritance: Autosomal recessive inheritance. Observed: 1 variant allele.
Comment: The p.Phe162SerfsX10 (NM007171.3 c.485delT) variant in POMT1 has not been report ed in individuals with POMT1-related muscular dystrophy-dystroglycanopathies. Th is variant has been identified in 1/8254 of European chromosomes by the NHLBI Ex ome Sequencing Project. Although this variant has been seen in the general population, its frequency is low enough to be cons istent with a recessive carrier frequency. This variant is predicted to cause a frameshift, which alters the protein?s amino acid sequence beginning at position 162 and leads to a premature termination codon 10 amino acids downstream. This alteration is then predicted to lead to a truncated or absent protein. Biallelic loss of function of the POMT1 gene has been associated with POMT1-related muscu lar dystrophy-dystroglycanopathies. In summary, although additional studies are required to fully establish a null effect, the p.Phe162SerfsX10 variant is likel y pathogenic for POMT1-related muscular dystrophy-dystroglycanopathies in an aut osomal recessive manner based upon its predicted impact on protein function.

Literature cited by the submitters: PubMed 12369018 (cited by Labcorp Genetics (formerly Invitae), Labcorp); PubMed 15637732 (cited by Labcorp Genetics (formerly Invitae), Labcorp); PubMed 16575835 (cited by Labcorp Genetics (formerly Invitae), Labcorp).